The following is an entry in ClinVar:

NM_001122681.2(SH3BP2):c.1154C>T (p.Pro385Leu)

Gene: SH3BP2 (SH3 domain binding protein 2; plus strand). Cytogenetic location: 4p16.3.
Variant type: single nucleotide variant.
Coding change: c.1154C>T on transcript NM_001122681.2 (MANE Select); coding-DNA position 1154, C replaced by T.
Protein change: p.Pro385Leu; replaces proline 385 with leucine.
Molecular consequence: missense variant.
Genome position (GRCh38, 1-based): chr4:2,830,060, C>T. VCF-style: chr4-2830060-C-T. GRCh37 (hg19) VCF-style: chr4-2831787-C-T.
Other names: c.1238C>T, p.Pro413Leu (NM_001145855.2); c.1325C>T, p.Pro442Leu (NM_001145856.2); c.1154C>T, p.Pro385Leu (NM_003023.4); short protein forms P413L, P442L, P385L.
Identifiers: ClinVar variation 2703360 (VCV002703360.3), dbSNP rs763371314, ClinGen allele CA2819401.

ClinVar aggregate classification (germline): Uncertain significance (1 of 4 stars; one submission).

Conditions:
Fibrous dysplasia of jaw (CRBM). Also called: Cherubism. Identifiers: Orphanet 184, MedGen C0008029, MONDO:0007315, OMIM 118400.

Allele frequency attached by ClinVar (database versions not stated): gnomAD exomes below 0.00001; ExAC 0.00002.
gnomAD v4.1: 1 of 1,611,760 alleles (0.000062%); highest among the groups gnomAD compares: African/African-American, 0.0013%; no homozygotes.

Submission:

Labcorp Genetics (formerly Invitae), Labcorp
Classification: Uncertain significance for Fibrous dysplasia of jaw. Last evaluated: 2023-12-15. Review status: criteria provided, single submitter. Criteria: Invitae Variant Classification Sherloc (09022015). Collection method: clinical testing. Allele origin: germline.
Comment: This sequence change replaces proline, which is neutral and non-polar, with leucine, which is neutral and non-polar, at codon 385 of the SH3BP2 protein (p.Pro385Leu). This variant is present in population databases (rs763371314, gnomAD 0.01%). This variant has not been reported in the literature in individuals affected with SH3BP2-related conditions. Advanced modeling of protein sequence and biophysical properties (such as structural, functional, and spatial information, amino acid conservation, physicochemical variation, residue mobility, and thermodynamic stability) performed at Invitae indicates that this missense variant is not expected to disrupt SH3BP2 protein function with a negative predictive value of 95%. In summary, the available evidence is currently insufficient to determine the role of this variant in disease. Therefore, it has been classified as a Variant of Uncertain Significance.